The following is an entry in ClinVar:

NM_001365536.1(SCN9A):c.5939G>A (p.Gly1980Glu)

Genes: SCN1A-AS1 (SCN1A and SCN9A antisense RNA 1; plus strand), SCN9A (sodium voltage-gated channel alpha subunit 9; minus strand). Cytogenetic location: 2q24.3.
Variant type: single nucleotide variant.
Coding change: c.5939G>A on transcript NM_001365536.1 (MANE Select); coding-DNA position 5939, G replaced by A.
Protein change: p.Gly1980Glu; replaces glycine 1980 with glutamic acid.
Molecular consequence: missense variant.
Genome position (GRCh38, 1-based): chr2:166,198,700, C>T on the plus strand (G>A on the coding strand, the complement: SCN9A is on the minus strand). VCF-style: chr2-166198700-C-T. GRCh37 (hg19) VCF-style: chr2-167055210-C-T.
Other names: c.5906G>A, p.Gly1969Glu (NM_002977.4); short protein forms G1969E, G1980E.
Identifiers: ClinVar variation 2946627 (VCV002946627.3), dbSNP rs1693321468, ClinGen allele CA349050979.
Genomic context (GRCh38, chr2:166,198,700, plus strand): 5'-CAGGCTGTAAACAATATATCAAAAATGAAGCTCTATTTTTTGCTTTCCTTGCTGTCTTTC[C>T]CTTTGTCTTCCTTTTCTGTTCTGTCTTGTTCATATTTCTCTTTGTCTGGCTTTGTTACAC-3'
Protein context (NP_001352465.1, residues 1970-1988): EQDRTEKEDK[Gly1980Glu]KDSKESKK

ClinVar aggregate classification (germline): Uncertain significance (1 of 4 stars; one submission).

Conditions:
Neuropathy, hereditary sensory and autonomic, type 2A (HSAN2A). Also called: HSAN IIA; WNK1-Related HSAN2 (HSAN2A); ACROOSTEOLYSIS, GIACCAI TYPE; ACROOSTEOLYSIS, NEUROGENIC; MORVAN DISEASE; NEUROPATHY, CONGENITAL SENSORY. Identifiers: Orphanet 970, MedGen C2752089, MONDO:0024309, OMIM 201300.
Generalized epilepsy with febrile seizures plus, type 7 (GEFSP7). Also called: GEFS+, TYPE 7. Identifiers: Orphanet 36387, MedGen C2751778, MONDO:0013470, OMIM 613863.

Allele frequency attached by ClinVar (database versions not stated): gnomAD exomes below 0.00001.
gnomAD v4.1: 1 of 1,605,302 alleles (0.000062%); highest among the groups gnomAD compares: Non-Finnish European, 0.000085%; no homozygotes.

Submission:

Labcorp Genetics (formerly Invitae), Labcorp
Classification: Uncertain significance for Neuropathy, hereditary sensory and autonomic, type 2A; Generalized epilepsy with febrile seizures plus, type 7. Last evaluated: 2023-04-12. Review status: criteria provided, single submitter. Criteria: Invitae Variant Classification Sherloc (09022015). Collection method: clinical testing. Allele origin: germline.
Comment: This variant has not been reported in the literature in individuals affected with SCN9A-related conditions. Algorithms developed to predict the effect of missense changes on protein structure and function output the following: SIFT: "Not Available"; PolyPhen-2: "Not Available"; Align-GVGD: "Not Available". The glutamic acid amino acid residue is found in multiple mammalian species, which suggests that this missense change does not adversely affect protein function. In summary, the available evidence is currently insufficient to determine the role of this variant in disease. Therefore, it has been classified as a Variant of Uncertain Significance. This variant is not present in population databases (gnomAD no frequency). This sequence change replaces glycine, which is neutral and non-polar, with glutamic acid, which is acidic and polar, at codon 1969 of the SCN9A protein (p.Gly1969Glu).